The following is an entry in ClinVar:

ClinVar aggregate classification (germline): Uncertain significance. Review status: criteria provided, multiple submitters, no conflicts (2 of 4 stars). 3 submissions from 3 submitters: Uncertain significance (3). Last evaluated 2025-06-13.

Conditions:
Ataxia-telangiectasia syndrome (AT). Also called: Ataxia telangiectasia (A-T); LOUIS-BAR SYNDROME; Cerebello-oculocutaneous telangiectasia; Immunodeficiency with ataxia telangiectasia; Ataxia-telangiectasia, complementation group D; AT, COMPLEMENTATION GROUP C. Identifiers: Orphanet 100, MedGen C0004135, MONDO:0008840, OMIM 208900.
Hereditary cancer-predisposing syndrome. Also called: Hereditary neoplastic syndrome; Neoplastic Syndromes, Hereditary; Tumor predisposition; Hereditary Cancer Syndrome. Identifiers: Orphanet 140162, MedGen C0027672, MeSH D009386, MONDO:0015356.

Submissions (3):

Ambry Genetics
Classification: Uncertain significance for Hereditary cancer-predisposing syndrome. Last evaluated: 2025-06-13. Review status: criteria provided, single submitter. Criteria: Ambry Variant Classification Scheme 2023. Collection method: clinical testing. Allele origin: germline.
Comment: The p.I2583L variant (also known as c.7747A>C), located in coding exon 51 of the ATM gene, results from an A to C substitution at nucleotide position 7747. The isoleucine at codon 2583 is replaced by leucine, an amino acid with highly similar properties. This amino acid position is conserved. In addition, this alteration is predicted to be tolerated by in silico analysis. Since supporting evidence is limited at this time, the clinical significance of this alteration remains unclear.

Labcorp Genetics (formerly Invitae), Labcorp
Classification: Uncertain significance for Ataxia-telangiectasia syndrome. Last evaluated: 2025-04-17. Review status: criteria provided, single submitter. Criteria: Invitae Variant Classification Sherloc (09022015). Collection method: clinical testing. Allele origin: germline.
Comment: This sequence change replaces isoleucine, which is neutral and non-polar, with leucine, which is neutral and non-polar, at codon 2583 of the ATM protein (p.Ile2583Leu). This variant is not present in population databases (gnomAD no frequency). This variant has not been reported in the literature in individuals affected with ATM-related conditions. ClinVar contains an entry for this variant (Variation ID: 1760418). Invitae Evidence Modeling of protein sequence and biophysical properties (such as structural, functional, and spatial information, amino acid conservation, physicochemical variation, residue mobility, and thermodynamic stability) indicates that this missense variant is not expected to disrupt ATM protein function with a negative predictive value of 95%. In summary, the available evidence is currently insufficient to determine the role of this variant in disease. Therefore, it has been classified as a Variant of Uncertain Significance.

GeneDx
Classification: Uncertain significance. Last evaluated: 2023-10-17. Review status: criteria provided, single submitter. Criteria: GeneDx Variant Classification Process June 2021. Collection method: clinical testing. Allele origin: germline. Affected: yes.
Comment: Not observed at significant frequency in large population cohorts (gnomAD); In silico analysis supports that this missense variant does not alter protein structure/function; Has not been previously published as pathogenic or benign to our knowledge

NM_000051.4(ATM):c.7747A>C (p.Ile2583Leu)

Genes: C11orf65 (chromosome 11 open reading frame 65; minus strand), ATM (ATM serine/threonine kinase; plus strand). Cytogenetic location: 11q22.3.
Variant type: single nucleotide variant.
Coding change: c.7747A>C on transcript NM_000051.4 (MANE Select); coding-DNA position 7747, A replaced by C.
Protein change: p.Ile2583Leu; replaces isoleucine 2583 with leucine.
Molecular consequence: missense variant. On other transcripts: intron variant (2).
Genome position (GRCh38, 1-based): chr11:108,331,996, A>C. VCF-style: chr11-108331996-A-C. GRCh37 (hg19) VCF-style: chr11-108202723-A-C.
Other names: c.7747A>C, p.Ile2583Leu (NM_001351834.2); c.641-22925T>G (NM_001330368.2); c.*38+3224T>G (NM_001351110.2); short protein forms I2583L.
Identifiers: ClinVar variation 1760418 (VCV001760418.8), dbSNP rs1339565904, ClinGen allele CA382561135.
Genomic context (GRCh38, chr11:108,331,996, plus strand): 5'-TTAGCAAATGCAAACAGAGATGAATTTCTGACTAAACCAGAGGTAGCCAGAAGAAGCAGA[A>C]TAACTAAAAATGTGCCTAAACAAAGCTCTCAGCTTGATGAGGTATTTGGATTAAACATAC-3'
Protein context (NP_000042.3, residues 2573-2593): TKPEVARRSR[Ile2583Leu]TKNVPKQSSQ